The following is an entry in ClinVar:

NM_020366.4(RPGRIP1):c.1611+27G>A

Gene: RPGRIP1 (RPGR interacting protein 1; plus strand). Cytogenetic location: 14q11.2.
Variant type: single nucleotide variant.
Coding change: c.1611+27G>A on transcript NM_020366.4 (MANE Select); 27 bases into the intron after coding-DNA position 1611, G replaced by A.
Molecular consequence: intron variant.
Genome position (GRCh38, 1-based): chr14:21,321,429, G>A. VCF-style: chr14-21321429-G-A. GRCh37 (hg19) VCF-style: chr14-21789588-G-A.
Other names: c.537+27G>A (NM_001377948.1, NM_001377949.1, NM_001377523.1 and 1 more transcripts); c.39+27G>A (NM_001377951.1).
Identifiers: ClinVar variation 814007 (VCV000814007.1), dbSNP rs1594203796, ClinGen allele CA658795159.

ClinVar aggregate classification (germline): Likely pathogenic (1 of 4 stars; one submission).

Conditions:
Leber congenital amaurosis 6 (LCA6). Identifiers: Orphanet 65, MedGen C1854260, MONDO:0013446, OMIM 613826.

Submission:

Broad Center for Mendelian Genomics, Broad Institute of MIT and Harvard
Classification: Likely pathogenic for Leber congenital amaurosis 6. Last evaluated: 2018-12-03. Review status: criteria provided, single submitter. Criteria: ACMG Guidelines, 2015. Collection method: research. Allele origin: germline. Inheritance: Autosomal recessive inheritance. Affected: yes.
Comment: The heterozygous c.1611+27G>A variant in RPGRIP1 was identified by our study, in the compound heterozygous state, along with a pathogenic variant, in two siblings with Leber congenital amaurosis (PMID: 30072743). The c.1611+27G>A variant in RPGRIP1 has not been previously reported in individuals with Leber congenital amaurosis and was absent from large population studies. In vitro functional studies provide some evidence that the c.1611+27G>A variant may impact protein function (PMID: 30072743). However, these types of assays may not accurately represent biological function. This variant is located in the 5' splice region. Loss of function of the RPGRIP1 gene is an established disease mechanism in autosomal recessive Leber congenital amaurosis. The presence of this variant in combination with a reported pathogenic variant and in an individual with Leber congenital amaurosis increases the likelihood that the c.1611+27G>A variant is pathogenic. In summary, although additional studies are required to fully establish its clinical significance, this variant is likely pathogenic. ACMG/AMP Criteria applied: PM2, PS3, PM3 (Richards 2015).

Literature cited by the submitters: PubMed 30072743.